The following is an entry in ClinVar:

NM_002439.5(MSH3):c.2310G>C (p.Lys770Asn)

Gene: MSH3 (mutS homolog 3; plus strand). Cytogenetic location: 5q14.1.
Variant type: single nucleotide variant.
Coding change: c.2310G>C on transcript NM_002439.5 (MANE Select); coding-DNA position 2310, G replaced by C.
Protein change: p.Lys770Asn; replaces lysine 770 with asparagine.
Molecular consequence: missense variant.
Genome position (GRCh38, 1-based): chr5:80,775,750, G>C. VCF-style: chr5-80775750-G-C. GRCh37 (hg19) VCF-style: chr5-80071569-G-C.
Other names: c.2310G>C (NM_002439.3); short protein forms K770N.
Identifiers: ClinVar variation 2676728 (VCV002676728.2), dbSNP rs1744286941, ClinGen allele CA360280985.

ClinVar aggregate classification (germline): Uncertain significance. Review status: criteria provided, multiple submitters, no conflicts (2 of 4 stars). 2 submissions from 2 submitters: Uncertain significance (2). Last evaluated 2026-07-06.

Conditions:
Endometrial carcinoma. Also called: Endometrial carcinoma, somatic. Identifiers: MedGen C0476089, MONDO:0002447, OMIM 608089, HP:0012114.
Hereditary cancer-predisposing syndrome. Also called: Hereditary neoplastic syndrome; Hereditary Cancer Syndrome; Neoplastic Syndromes, Hereditary; Tumor predisposition. Identifiers: Orphanet 140162, MedGen C0027672, MeSH D009386, MONDO:0015356.

Allele frequency attached by ClinVar (database versions not stated): gnomAD exomes below 0.00001.
gnomAD v4.1: 1 of 1,584,662 alleles (0.000063%); highest among the groups gnomAD compares: Non-Finnish European, 0.000087%; no homozygotes.

Submissions (2):

Ambry Genetics
Classification: Uncertain significance for Hereditary cancer-predisposing syndrome. Last evaluated: 2026-07-06. Review status: criteria provided, single submitter. Criteria: Ambry Variant Classification Scheme 2023. Collection method: clinical testing. Allele origin: germline.
Comment: The p.K770N variant (also known as c.2310G>C), located in coding exon 16 of the MSH3 gene, results from a G to C substitution at nucleotide position 2310. The lysine at codon 770 is replaced by asparagine, an amino acid with similar properties. This amino acid position is conserved. In addition, this alteration is predicted to be tolerated by in silico analysis. Based on the available evidence, the clinical significance of this variant remains unclear.

Baylor Genetics
Classification: Uncertain significance for Endometrial carcinoma. Last evaluated: 2023-10-26. Review status: criteria provided, single submitter. Criteria: ACMG Guidelines, 2015. Collection method: clinical testing. Allele origin: unknown.